The following is an entry in ClinVar:

ClinVar aggregate classification (germline): Pathogenic (1 of 4 stars; one submission).

Submission:

Labcorp Genetics (formerly Invitae), Labcorp
Classification: Pathogenic. Last evaluated: 2023-02-01. Review status: criteria provided, single submitter. Criteria: Invitae Variant Classification Sherloc (09022015). Collection method: clinical testing. Allele origin: germline.
Comment: For these reasons, this variant has been classified as Pathogenic. This variant has not been reported in the literature in individuals affected with PTPN23-related conditions. This variant is not present in population databases (gnomAD no frequency). This sequence change creates a premature translational stop signal (p.Ala688Glyfs*48) in the PTPN23 gene. It is expected to result in an absent or disrupted protein product. Loss-of-function variants in PTPN23 are known to be pathogenic (PMID: 29090338, 29899372).

Literature cited by the submitters: PubMed 29090338; PubMed 29899372.

NM_015466.4(PTPN23):c.2059_2062dup (p.Ala688fs)

Gene: PTPN23 (protein tyrosine phosphatase non-receptor type 23; plus strand). Cytogenetic location: 3p21.31.
Variant type: Duplication.
Coding change: c.2059_2062dup on transcript NM_015466.4 (MANE Select); coding-DNA positions 2059 to 2062, 4 bases duplicated (GCTG; older notation c.2059_2062dupGCTG).
Protein change: p.Ala688fs; shifts the reading frame from alanine 688.
Molecular consequence: frameshift variant.
Genome position (GRCh38, 1-based): chr3:47,409,764-47,409,767, GCTG duplicated; duplicating any 4 consecutive bases within chr3:47,409,762-47,409,767 gives the same sequence; the c. name uses the placement nearest the transcript's 3' end. VCF-style (leftmost placement, unchanged base first): chr3-47409761-G-GTGGC. GRCh37 (hg19) VCF-style: chr3-47451251-G-GTGGC.
Other names: c.1681_1684dup, p.Ala562fs (NM_001304482.2); short protein forms A562fs, A688fs.
Identifiers: ClinVar variation 2833707 (VCV002833707.3), dbSNP rs2546248424, ClinGen allele CA2739278899.